The following is an entry in ClinVar:

ClinVar aggregate classification (germline): Uncertain significance (1 of 4 stars; one submission).

Allele frequency attached by ClinVar (database versions not stated): gnomAD 0.00001 and 0.00003.
gnomAD v4.1: 1 of 1,613,850 alleles (0.000062%); highest among the groups gnomAD compares: African/African-American, 0.0013%; no homozygotes.

Submission:

Laboratory for Molecular Medicine, Mass General Brigham Personalized Medicine
Classification: Uncertain significance. Last evaluated: 2015-03-04. Review status: criteria provided, single submitter. Criteria: LMM Criteria. Collection method: clinical testing. Allele origin: germline. Observed: 1 variant allele.
Comment: Variant classified as Uncertain Significance - Favor Benign. The p.Ser31564Pro v ariant in TTN has not been previously reported in individuals with cardiomyopath y or in large population studies. Serine (Ser) at position 31564 is not well con served in evolution and some mammals (rodents and tenrec) as well as multiple bi rds carry the variant amino acid (proline, Pro) at this position, raising the po ssibility that this change may be tolerated. In summary, while the clinical sign ificance of the p.Ser31564Pro variant is uncertain, the presence of the variant amino acid in mammals suggests that it is more likely to be benign.

NM_001267550.2(TTN):c.102394T>C (p.Ser34132Pro)

Genes: TTN (titin; minus strand), TTN-AS1 (TTN antisense RNA 1; plus strand). Cytogenetic location: 2q31.2.
Variant type: single nucleotide variant.
Coding change: c.102394T>C on transcript NM_001267550.2 (MANE Select); coding-DNA position 102394, T replaced by C.
Protein change: p.Ser34132Pro; replaces serine 34132 with proline.
Molecular consequence: missense variant.
Genome position (GRCh38, 1-based): chr2:178,534,221, A>G on the plus strand (T>C on the coding strand, the complement: TTN is on the minus strand). VCF-style: chr2-178534221-A-G. GRCh37 (hg19) VCF-style: chr2-179398948-A-G.
Other names: c.94690T>C, p.Ser31564Pro (NM_133378.4); c.97471T>C, p.Ser32491Pro (NM_001256850.1); c.75199T>C, p.Ser25067Pro (NM_003319.4); c.75574T>C, p.Ser25192Pro (NM_133432.3); c.75775T>C, p.Ser25259Pro (NM_133437.4); short protein forms S31564P, S34132P, S25067P, S32491P, S25192P, S25259P.
Identifiers: ClinVar variation 229564 (VCV000229564.5), dbSNP rs876658098, ClinGen allele CA10576451.